The following is an entry in ClinVar:

ClinVar aggregate classification (germline): Uncertain significance (1 of 4 stars; one submission).

Submission:

GeneDx
Classification: Uncertain significance. Last evaluated: 2019-08-15. Review status: criteria provided, single submitter. Criteria: GeneDx Variant Classification Process June 2021. Collection method: clinical testing. Allele origin: germline. Affected: yes.
Comment: Not observed in large population cohorts (Lek et al., 2016); Frameshift variant predicted to result in protein truncation as the last 28 amino acids are lost and replaced with 7 incorrect amino acids, although loss-of-function variants have not been reported downstream of this position in the protein; Has not been previously published as pathogenic or benign to our knowledge; Variants in candidate genes are classified as variants of uncertain significance in accordance with ACMG guidelines (Richards et al., 2015); This variant is associated with the following publications: (PMID: 33513338)

NM_002971.6(SATB1):c.2207del (p.Asn736fs)

Gene: SATB1 (SATB homeobox 1; minus strand). Cytogenetic location: 3p24.3.
Variant type: Deletion.
Coding change: c.2207del on transcript NM_002971.6 (MANE Select); coding-DNA position 2207, one base deleted (A; older notation c.2207delA).
Protein change: p.Asn736fs; shifts the reading frame from asparagine 736.
Molecular consequence: frameshift variant.
Genome position (GRCh38, 1-based): chr3:18,349,255, T deleted on the plus strand (A on the coding strand, the reverse complement: SATB1 is on the minus strand); the first of 5 consecutive T bases (chr3:18,349,255-18,349,259); deleting any one gives the same sequence. VCF-style (leftmost placement, unchanged base first): chr3-18349254-AT-A. GRCh37 (hg19) VCF-style: chr3-18390746-AT-A.
Other names: c.2207del, p.Asn736fs (NM_001131010.4, NM_001322872.2, NM_001322873.2 and 2 more transcripts); c.2303del, p.Asn768fs (NM_001195470.3, NM_001322871.2); c.1991del, p.Asn664fs (NM_001322876.2); short protein forms N664fs, N736fs, N768fs.
Identifiers: ClinVar variation 1316767 (VCV001316767.2), dbSNP rs2125122492, ClinGen allele CA2573052124.